The following is an entry in ClinVar:

ClinVar aggregate classification (germline): Uncertain significance (1 of 4 stars; one submission).

Conditions:
PLXNA3-related disorder. Also called: PLXNA3-related condition.

gnomAD v4.1: 16 of 1,202,265 alleles (0.0013%); highest among the groups gnomAD compares: Non-Finnish European, 0.0018%; no homozygotes.

Submission:

PreventionGenetics, part of Exact Sciences
Classification: Uncertain significance for PLXNA3-related condition. Last evaluated: 2026-03-26. Review status: criteria provided, single submitter. Criteria: ACMG Guidelines, 2015. Collection method: clinical testing. Allele origin: germline.
Comment: The PLXNA3 c.1237G>T variant is predicted to result in the amino acid substitution p.Gly413Cys. To our knowledge, this variant has not been reported in the literature. This variant is reported in 0.0039% of alleles in individuals of European (Non-Finnish) descent in gnomAD. At this time, the clinical significance of this variant is uncertain due to the absence of conclusive functional and genetic evidence.

NM_017514.5(PLXNA3):c.1237G>T (p.Gly413Cys)

Gene: PLXNA3 (plexin A3; plus strand). Cytogenetic location: Xq28.
Variant type: single nucleotide variant.
Coding change: c.1237G>T on transcript NM_017514.5 (MANE Select); coding-DNA position 1237, G replaced by T.
Protein change: p.Gly413Cys; replaces glycine 413 with cysteine.
Molecular consequence: missense variant.
Genome position (GRCh38, 1-based): chrX:154,462,230, G>T. VCF-style: chrX-154462230-G-T. GRCh37 (hg19) VCF-style: chrX-153690570-G-T.
Other names: short protein forms G413C.
Identifiers: ClinVar variation 4999543 (VCV004999543.1).
Genomic context (GRCh38, chrX:154,462,230, plus strand): 5'-CAGCCTCTGGGAGGCCTGCATGTGATCGAGGGGCTGCCCCTGCTGGCCGACAGCACCGAC[G>T]GCATGGCCAGCGTGGCCGCCTACACCTACCGCCAGCACTCTGTGGTCTTCATTGGCACGC-3'
Protein context (NP_059984.3, residues 403-423): GLPLLADSTD[Gly413Cys]MASVAAYTYR